The following is an entry in ClinVar:

ClinVar aggregate classification (germline): Uncertain significance (1 of 4 stars; one submission).

Submission:

Labcorp Genetics (formerly Invitae), Labcorp
Classification: Uncertain significance. Last evaluated: 2019-08-30. Review status: criteria provided, single submitter. Criteria: Invitae Variant Classification Sherloc (09022015). Collection method: clinical testing. Allele origin: germline.
Comment: This sequence change replaces arginine with glycine at codon 42 of the HMX1 protein (p.Arg42Gly). The arginine residue is weakly conserved and there is a moderate physicochemical difference between arginine and glycine. The frequency data for this variant in the population databases is considered unreliable, as metrics indicate insufficient coverage at this position in the ExAC database. This variant has not been reported in the literature in individuals with HMX1-related conditions. Algorithms developed to predict the effect of missense changes on protein structure and function are either unavailable or do not agree on the potential impact of this missense change (SIFT: "Tolerated"; PolyPhen-2: "Not Available"; Align-GVGD: "Class C0"). In summary, the available evidence is currently insufficient to determine the role of this variant in disease. Therefore, it has been classified as a Variant of Uncertain Significance.

NM_018942.3(HMX1):c.124C>G (p.Arg42Gly)

Gene: HMX1 (H6 family homeobox 1; minus strand). Cytogenetic location: 4p16.1.
Variant type: single nucleotide variant.
Coding change: c.124C>G on transcript NM_018942.3 (MANE Select); coding-DNA position 124, C replaced by G.
Protein change: p.Arg42Gly; replaces arginine 42 with glycine.
Molecular consequence: missense variant.
Genome position (GRCh38, 1-based): chr4:8,871,491, G>C on the plus strand (C>G on the coding strand, the complement: HMX1 is on the minus strand). VCF-style: chr4-8871491-G-C. GRCh37 (hg19) VCF-style: chr4-8873217-G-C.
Other names: c.124C>G, p.Arg42Gly (NM_001306142.2); short protein forms R42G.
Identifiers: ClinVar variation 960844 (VCV000960844.9), dbSNP rs1243290081, ClinGen allele CA356279324.
Genomic context (GRCh38, chr4:8,871,491, plus strand): 5'-GCCGCGCCTGCTCGGCGTCCTCGTCTTCGGGGTCGTCGTCGTCCTCCTCCTCGTCCTCCC[G>C]GCTGCCGTCGCCCTGGGTCGCGCGCCCTGCGCCCTTGGCCTCGGCCGCCAGCAGGTTCTC-3'
Protein context (NP_061815.2, residues 32-52): AGRATQGDGS[Arg42Gly]EDEEEDDDDP